The following is an entry in ClinVar:

NC_000017.10:g.(?_16842861)_(16875389_?)dup

Gene: TNFRSF13B (TNF receptor superfamily member 13B; minus strand). Cytogenetic location: 17p11.2.
Variant type: Duplication.
Identifiers: ClinVar variation 3243074 (VCV003243074.1).

ClinVar aggregate classification (germline): Uncertain significance (1 of 4 stars; one submission).

Conditions:
Immunodeficiency, common variable, 2 (CVID2). Also called: HYPOGAMMAGLOBULINEMIA DUE TO TACI DEFICIENCY; ANTIBODY DEFICIENCY DUE TO TACI DEFECT. Identifiers: Orphanet 1572, MedGen C3150354, MONDO:0009413, OMIM 240500.

Submission:

Labcorp Genetics (formerly Invitae), Labcorp
Classification: Uncertain significance for Immunodeficiency, common variable, 2. Last evaluated: 2023-08-29. Review status: criteria provided, single submitter. Criteria: Invitae Variant Classification Sherloc (09022015). Collection method: clinical testing. Allele origin: unknown.
Comment: A copy number gain of the genomic region encompassing the full coding sequence of the TNFRSF13B gene has been identified. The boundaries of this event are unknown as they extend beyond the assayed region for this gene and therefore may encompass additional genes. As the precise location of this event is unknown, it may be in tandem or it may be located elsewhere in the genome. This variant has not been reported in the literature in individuals affected with TNFRSF13B-related conditions. In summary, the available evidence is currently insufficient to determine the role of this variant in disease. Therefore, it has been classified as a Variant of Uncertain Significance.